The following is an entry in ClinVar:

ClinVar aggregate classification (germline): Benign/Likely benign. Review status: criteria provided, multiple submitters, no conflicts (2 of 4 stars). 5 submissions from 5 submitters: Benign (1); Likely benign (3). 1 of the submissions does not count toward it. Last evaluated 2026-01-13.

Conditions:
Catecholaminergic polymorphic ventricular tachycardia 1. Also called: VENTRICULAR TACHYCARDIA, CATECHOLAMINERGIC POLYMORPHIC, 1, WITH OR WITHOUT ATRIAL DYSFUNCTION AND/OR DILATED CARDIOMYOPATHY; RYR2-Related Catecholaminergic Polymorphic Ventricular Tachycardia; VENTRICULAR TACHYCARDIA, STRESS-INDUCED POLYMORPHIC 1. Identifiers: Orphanet 3286, MedGen C1631597, MONDO:0011484, OMIM 604772.
Cardiovascular phenotype. Identifiers: MedGen CN230736.
Cardiomyopathy (CMYO). Also called: Cardiomyopathies. Identifiers: Orphanet 167848, MedGen C0878544, MONDO:0004994, HP:0001638. Inheritance: Various modes of inheritance.
RYR2-related disorder. Also called: RYR2-related condition.

Allele frequency attached by ClinVar (database versions not stated): gnomAD exomes 0.00005; TOPMed 0.00010; ESP Exome Variant Server 0.00024; 1000 Genomes Project 30x 0.00031; ExAC 0.00008; gnomAD 0.00008.
gnomAD v4.1: 58 of 1,613,734 alleles (0.0036%); highest among the groups gnomAD compares: South Asian, 0.02%; no homozygotes.

Submissions (5):

Labcorp Genetics (formerly Invitae), Labcorp
Classification: Likely benign for Catecholaminergic polymorphic ventricular tachycardia 1. Last evaluated: 2026-01-13. Review status: criteria provided, single submitter. Criteria: Invitae Variant Classification Sherloc (09022015). Collection method: clinical testing. Allele origin: germline.

Color Diagnostics, LLC DBA Color Health
Classification: Likely benign for Cardiomyopathy. Last evaluated: 2020-04-28. Review status: criteria provided, single submitter. Criteria: ACMG Guidelines, 2015. Collection method: clinical testing. Allele origin: germline.

Ambry Genetics
Classification: Likely benign for Cardiovascular phenotype. Last evaluated: 2016-01-19. Review status: criteria provided, single submitter. Criteria: Ambry Variant Classification Scheme 2023. Collection method: clinical testing. Allele origin: germline.

GeneDx
Classification: Benign. Last evaluated: 2015-03-03. Review status: criteria provided, single submitter. Criteria: GeneDx Variant Classification Process June 2021. Collection method: clinical testing. Allele origin: germline. Affected: yes.

PreventionGenetics, part of Exact Sciences
Classification: Likely benign for RYR2-related condition. Last evaluated: 2024-08-21. Review status: no assertion criteria provided. Collection method: clinical testing. Allele origin: germline. Not counted in ClinVar's aggregate classification.
Comment: This variant is classified as likely benign based on ACMG/AMP sequence variant interpretation guidelines (Richards et al. 2015 PMID: 25741868, with internal and published modifications).

NM_001035.3(RYR2):c.13695C>T (p.Ser4565=)

Gene: RYR2 (ryanodine receptor 2; plus strand). Cytogenetic location: 1q43.
Variant type: single nucleotide variant.
Coding change: c.13695C>T on transcript NM_001035.3 (MANE Select); coding-DNA position 13695, C replaced by T.
Protein change: p.Ser4565=; no amino-acid change (serine 4565 retained).
Molecular consequence: synonymous variant.
Genome position (GRCh38, 1-based): chr1:237,792,236, C>T. VCF-style: chr1-237792236-C-T. GRCh37 (hg19) VCF-style: chr1-237955536-C-T.
Other names: c.13695C>T (NM_001035.2).
Identifiers: ClinVar variation 1125531 (VCV001125531.18), dbSNP rs377503418, ClinGen allele CA085435.